The following is an entry in ClinVar:

ClinVar aggregate classification (germline): Uncertain significance (1 of 4 stars; one submission).

Submission:

GeneDx
Classification: Uncertain significance. Last evaluated: 2022-07-18. Review status: criteria provided, single submitter. Criteria: GeneDx Variant Classification Process June 2021. Collection method: clinical testing. Allele origin: germline. Affected: yes.
Comment: Not observed at significant frequency in large population cohorts (gnomAD); In silico analysis supports that this missense variant has a deleterious effect on protein structure/function; Has not been previously published as pathogenic or benign to our knowledge

NM_001077653.2(TBX20):c.382A>T (p.Arg128Trp)

Gene: TBX20 (T-box transcription factor 20; minus strand). Cytogenetic location: 7p14.2.
Variant type: single nucleotide variant.
Coding change: c.382A>T on transcript NM_001077653.2 (MANE Select); coding-DNA position 382, A replaced by T.
Protein change: p.Arg128Trp; replaces arginine 128 with tryptophan.
Molecular consequence: missense variant.
Genome position (GRCh38, 1-based): chr7:35,248,840, T>A on the plus strand (A>T on the coding strand, the complement: TBX20 is on the minus strand). VCF-style: chr7-35248840-T-A. GRCh37 (hg19) VCF-style: chr7-35288452-T-A.
Other names: c.382A>T, p.Arg128Trp (NM_001166220.1); short protein forms R128W.
Identifiers: ClinVar variation 2136109 (VCV002136109.1), dbSNP rs2546996543, ClinGen allele CA367264863.
Genomic context (GRCh38, chr7:35,248,840, plus strand): 5'-CTATGTACTTGGCCTCAGGATCCACCCCCGAAAAGGACACCCGGATGGTTGGAAACATCC[T>A]CCTGACAGAGAGAGAGAGAGAGAATGGGCCCTGTTTATGCTGCCTAATAAACTGACCTGA-3'
Protein context (NP_001071121.1, residues 118-138): TEMIITKSGR[Arg128Trp]MFPTIRVSFS